The following is an entry in ClinVar:

ClinVar aggregate classification (germline): Benign/Likely benign. Review status: criteria provided, multiple submitters, no conflicts (2 of 4 stars). 7 submissions from 7 submitters: Benign (1); Likely benign (6). Last evaluated 2025-12-16.

Conditions:
Tuberous sclerosis 2 (TSC2). Identifiers: Orphanet 805, MedGen C1860707, MONDO:0013199, OMIM 613254.
Hereditary cancer-predisposing syndrome. Also called: Hereditary neoplastic syndrome; Neoplastic Syndromes, Hereditary; Hereditary Cancer Syndrome; Tumor predisposition. Identifiers: Orphanet 140162, MedGen C0027672, MeSH D009386, MONDO:0015356.
Tuberous sclerosis syndrome (TSC). Also called: Tuberous sclerosis; Tuberous Sclerosis Complex. Identifiers: Orphanet 805, MedGen C0041341, MONDO:0001734.

Allele frequency attached by ClinVar (database versions not stated): gnomAD exomes below 0.00001; ExAC 0.00001; gnomAD 0.00001.
gnomAD v4.1: 6 of 1,612,884 alleles (0.00037%); highest among the groups gnomAD compares: African/African-American, 0.004%; no homozygotes.

Submissions (7):

Labcorp Genetics (formerly Invitae), Labcorp
Classification: Likely benign for Tuberous sclerosis 2. Last evaluated: 2025-12-16. Review status: criteria provided, single submitter. Criteria: Invitae Variant Classification Sherloc (09022015). Collection method: clinical testing. Allele origin: germline.

CeGaT Center for Human Genetics Tuebingen
Classification: Likely benign. Last evaluated: 2025-06-01. Review status: criteria provided, single submitter. Criteria: CeGaT Center For Human Genetics Tuebingen Variant Classification Criteria Version 2. Collection method: clinical testing. Allele origin: germline. Affected: yes. Observed: 1 variant allele.
Comment: TSC2: BP4, BP7

Myriad Genetics, Inc.
Classification: Benign for Tuberous sclerosis 2. Last evaluated: 2025-05-28. Review status: criteria provided, single submitter. Criteria: Myriad Autosomal Dominant, Autosomal Recessive and X-Linked Classification Criteria (2023). Collection method: clinical testing. Allele origin: unknown.
Comment: This variant is considered benign. This variant is a silent/synonymous amino acid change and it is not expected to impact splicing.

All of Us Research Program, National Institutes of Health
Classification: Likely benign for Tuberous sclerosis syndrome. Last evaluated: 2024-05-14. Review status: criteria provided, single submitter. Criteria: ACMG Guidelines, 2015. Collection method: clinical testing. Allele origin: germline. Inheritance: Autosomal dominant inheritance. Observed: 3 variant alleles, 3 heterozygotes.
Comment: This study involves interpretation of variants in research participants for the purpose of population health screening. Participant phenotype was not available at the time of variant classification. Additional details can be found in publication PMID: 35346344, PMCID: PMC8962531

Sema4
Classification: Likely benign for Hereditary cancer-predisposing syndrome. Last evaluated: 2021-12-17. Review status: criteria provided, single submitter. Criteria: Sema4 Curation Guidelines. Collection method: curation. Allele origin: germline.

Ambry Genetics
Classification: Likely benign for Hereditary cancer-predisposing syndrome. Last evaluated: 2021-02-05. Review status: criteria provided, single submitter. Criteria: Ambry Variant Classification Scheme 2023. Collection method: clinical testing. Allele origin: germline.

Blueprint Genetics
Classification: Likely benign. Last evaluated: 2021-02-04. Review status: criteria provided, single submitter. Criteria: ACMG Guidelines, 2015. Collection method: clinical testing. Allele origin: germline.

NM_000548.5(TSC2):c.3201C>G (p.Val1067=)

Gene: TSC2 (TSC complex subunit 2; plus strand). Cytogenetic location: 16p13.3.
Variant type: single nucleotide variant.
Coding change: c.3201C>G on transcript NM_000548.5 (MANE Select); coding-DNA position 3201, C replaced by G.
Protein change: p.Val1067=; no amino-acid change (valine 1067 retained).
Molecular consequence: synonymous variant.
Genome position (GRCh38, 1-based): chr16:2,079,345, C>G. VCF-style: chr16-2079345-C-G. GRCh37 (hg19) VCF-style: chr16-2129346-C-G.
Other names: c.3069C>G, p.Val1023= (NM_001077183.3, NM_001370404.1); c.3201C>G, p.Val1067= (NM_001114382.3); c.2961C>G, p.Val987= (NM_001318827.2); c.2925C>G, p.Val975= (NM_001318829.2); c.2469C>G, p.Val823= (NM_001318831.2); c.3102C>G, p.Val1034= (NM_001318832.2); c.3072C>G, p.Val1024= (NM_001363528.2, NM_001370405.1, NM_021055.3).
Identifiers: ClinVar variation 779502 (VCV000779502.28), dbSNP rs781532053, ClinGen allele CA044736.
Genomic context (GRCh38, chr16:2,079,345, plus strand): 5'-GGGCGAGTTCCTCCTAGCGGGTGGCAGGACCAAAACCTGGCTGGTTGGGAACAAGCTTGT[C>G]ACTGTGACGACAAGCGTGGGAACCGGGACCCGGTCGTTACTAGGCCTGGACTCGGGGGAG-3'
Protein context (NP_000539.2, residues 1057-1077): TKTWLVGNKL[Val1067=]TVTTSVGTGT